The following is an entry in ClinVar:

ClinVar aggregate classification (germline): Likely pathogenic. Review status: criteria provided, multiple submitters, no conflicts (2 of 4 stars). 5 submissions from 5 submitters: Likely pathogenic (5). Last evaluated 2024-01-30.

Conditions:
Hereditary cancer-predisposing syndrome. Also called: Neoplastic Syndromes, Hereditary; Hereditary neoplastic syndrome; Tumor predisposition; Hereditary Cancer Syndrome. Identifiers: Orphanet 140162, MedGen C0027672, MeSH D009386, MONDO:0015356.
Familial cancer of breast. Also called: hereditary breast carcinoma; Hereditary breast cancer; BREAST CANCER, FAMILIAL. Identifiers: Orphanet 227535, MedGen C0346153, MONDO:0016419, OMIM 114480. Disease mechanism: loss of function.
Ataxia-telangiectasia syndrome (AT). Also called: Ataxia telangiectasia (A-T); Cerebello-oculocutaneous telangiectasia; Immunodeficiency with ataxia telangiectasia; LOUIS-BAR SYNDROME; AT, COMPLEMENTATION GROUP C; ATAXIA-TELANGIECTASIA, FRESNO VARIANT. Identifiers: Orphanet 100, MedGen C0004135, MONDO:0008840, OMIM 208900.

Allele frequency attached by ClinVar (database versions not stated): TOPMed below 0.00001.

Submissions (5):

Myriad Genetics, Inc.
Classification: Likely pathogenic for Familial cancer of breast. Last evaluated: 2024-01-30. Review status: criteria provided, single submitter. Criteria: Myriad Autosomal Dominant, Autosomal Recessive and X-Linked Classification Criteria (2023). Collection method: clinical testing. Allele origin: unknown.
Comment: This variant is considered likely pathogenic. This variant occurs within a consensus splice junction and is predicted to result in abnormal mRNA splicing of either an out-of-frame exon or an in-frame exon necessary for protein stability and/or normal function.

Labcorp Genetics (formerly Invitae), Labcorp
Classification: Likely pathogenic for Ataxia-telangiectasia syndrome. Last evaluated: 2023-11-01. Review status: criteria provided, single submitter. Criteria: Invitae Variant Classification Sherloc (09022015). Collection method: clinical testing. Allele origin: germline.
Comment: This sequence change affects a donor splice site in intron 47 of the ATM gene. It is expected to disrupt RNA splicing. Variants that disrupt the donor or acceptor splice site typically lead to a loss of protein function (PMID: 16199547), and loss-of-function variants in ATM are known to be pathogenic (PMID: 23807571, 25614872). This variant is not present in population databases (gnomAD no frequency). This variant has not been reported in the literature in individuals affected with ATM-related conditions. ClinVar contains an entry for this variant (Variation ID: 246299). Algorithms developed to predict the effect of sequence changes on RNA splicing suggest that this variant may disrupt the consensus splice site. In summary, the currently available evidence indicates that the variant is pathogenic, but additional data are needed to prove that conclusively. Therefore, this variant has been classified as Likely Pathogenic.

Color Diagnostics, LLC DBA Color Health
Classification: Likely pathogenic for Hereditary cancer-predisposing syndrome. Last evaluated: 2020-05-19. Review status: criteria provided, single submitter. Criteria: ACMG Guidelines, 2015. Collection method: clinical testing. Allele origin: germline.
Comment: This variant causes a T to C nucleotide substitution at the +2 position of intron 47 of the ATM gene. Splice site prediction tools predict that this variant may have a significant impact on RNA splicing. Although functional studies have not been reported for this variant, it is expected to result in an absent or non-functional protein product. This variant has been reported in an individual affected with chronic lymphocytic leukemia (PMID 25480502). This variant has not been identified in the general population by the Genome Aggregation Database (gnomAD). Loss of ATM function is a known mechanism of disease. Based on the available evidence, this variant is classified as Likely Pathogenic.

Ambry Genetics
Classification: Likely pathogenic for Hereditary cancer-predisposing syndrome. Last evaluated: 2018-06-20. Review status: criteria provided, single submitter. Criteria: Ambry Variant Classification Scheme 2023. Collection method: clinical testing. Allele origin: germline.
Comment: The c.6975+2T>C intronic variant results from a T to C substitution two nucleotides after coding exon 46 in the ATM gene. This nucleotide position is highly conserved in available vertebrate species. This BDGP splice prediction software does not produce a reliable prediction for the nearby native splice donor site. This ESEfinder splice prediction software predicts that this alteration will abolish the native splice donor site. Alterations that disrupt the canonical splice site are expected to cause aberrant splicing, resulting in an abnormal protein or a transcript that is subject to nonsense-mediated mRNA decay. As such, this alteration is classified as likely pathogenic.

GeneDx
Classification: Likely pathogenic. Last evaluated: 2018-03-28. Review status: criteria provided, single submitter. Criteria: GeneDx Variant Classification (06012015). Collection method: clinical testing. Allele origin: germline. Affected: yes.
Comment: This variant is denoted ATM c.6975+2T>C or IVS47+2T>C and consists of a T>C nucleotide substitution at the +2 position of intron 47 of the ATM gene. This variant destroys a canonical splice donor site and is predicted to cause abnormal gene splicing. Although the predicted impact of this variant is an in-frame deletion of a single exon, it is significant in that it leads to a loss of 55 amino acids within the FAT domain (Stracker 2013). ATM c.6975+2T>C has been reported in an individual with chronic lymphocytic leukemia (Sutton 2015). Based on currently available information, we consider ATM c.6975+2T>C to be a likely pathogenic variant.

Literature cited by the submitters: PubMed 16199547 (cited by Labcorp Genetics (formerly Invitae), Labcorp); PubMed 23807571 (cited by Labcorp Genetics (formerly Invitae), Labcorp); PubMed 25614872 (cited by Labcorp Genetics (formerly Invitae), Labcorp).

NM_000051.4(ATM):c.6975+2T>C

Genes: ATM (ATM serine/threonine kinase; plus strand), C11orf65 (chromosome 11 open reading frame 65; minus strand). Cytogenetic location: 11q22.3.
Variant type: single nucleotide variant.
Coding change: c.6975+2T>C on transcript NM_000051.4 (MANE Select); the canonical splice donor site of the intron after coding-DNA position 6975, T replaced by C.
Molecular consequence: splice donor variant. On other transcripts: intron variant (2).
Genome position (GRCh38, 1-based): chr11:108,326,227, T>C. VCF-style: chr11-108326227-T-C. GRCh37 (hg19) VCF-style: chr11-108196954-T-C.
Other names: c.6975+2T>C (NM_001351834.2); c.641-17156A>G (NM_001330368.2); c.*38+8993A>G (NM_001351110.2).
Identifiers: ClinVar variation 246299 (VCV000246299.14), dbSNP rs879254199, ClinGen allele CA10584360.